The following is an entry in ClinVar:

NM_020461.4(TUBGCP6):c.3109G>A (p.Gly1037Arg)

Gene: TUBGCP6 (tubulin gamma complex component 6; minus strand). Cytogenetic location: 22q13.33.
Variant type: single nucleotide variant.
Coding change: c.3109G>A on transcript NM_020461.4 (MANE Select); coding-DNA position 3109, G replaced by A.
Protein change: p.Gly1037Arg; replaces glycine 1037 with arginine.
Molecular consequence: missense variant.
Genome position (GRCh38, 1-based): chr22:50,221,250, C>T on the plus strand (G>A on the coding strand, the complement: TUBGCP6 is on the minus strand). VCF-style: chr22-50221250-C-T. GRCh37 (hg19) VCF-style: chr22-50659679-C-T.
Other names: short protein forms G1037R.
Identifiers: ClinVar variation 958711 (VCV000958711.8), dbSNP rs1293727784, ClinGen allele CA412184867.

ClinVar aggregate classification (germline): Uncertain significance (1 of 4 stars; one submission).

Allele frequency attached by ClinVar (database versions not stated): TOPMed below 0.00001; gnomAD exomes 0.00001.
gnomAD v4.1: 3 of 1,614,148 alleles (0.00019%); highest among the groups gnomAD compares: Admixed American, 0.005%; no homozygotes.

Submission:

Labcorp Genetics (formerly Invitae), Labcorp
Classification: Uncertain significance. Last evaluated: 2024-08-05. Review status: criteria provided, single submitter. Criteria: Invitae Variant Classification Sherloc (09022015). Collection method: clinical testing. Allele origin: germline.
Comment: This sequence change replaces glycine, which is neutral and non-polar, with arginine, which is basic and polar, at codon 1037 of the TUBGCP6 protein (p.Gly1037Arg). This variant is present in population databases (no rsID available, gnomAD 0.009%). This variant has not been reported in the literature in individuals affected with TUBGCP6-related conditions. ClinVar contains an entry for this variant (Variation ID: 958711). An algorithm developed to predict the effect of missense changes on protein structure and function (PolyPhen-2) suggests that this variant is likely to be tolerated. In summary, the available evidence is currently insufficient to determine the role of this variant in disease. Therefore, it has been classified as a Variant of Uncertain Significance.